The following is an entry in ClinVar:

NM_014014.5(SNRNP200):c.2066A>G (p.Tyr689Cys)

Gene: SNRNP200 (small nuclear ribonucleoprotein U5 subunit 200; minus strand). Cytogenetic location: 2q11.2.
Variant type: single nucleotide variant.
Coding change: c.2066A>G on transcript NM_014014.5 (MANE Select); coding-DNA position 2066, A replaced by G.
Protein change: p.Tyr689Cys; replaces tyrosine 689 with cysteine.
Molecular consequence: missense variant.
Genome position (GRCh38, 1-based): chr2:96,293,066, T>C on the plus strand (A>G on the coding strand, the complement: SNRNP200 is on the minus strand). VCF-style: chr2-96293066-T-C. GRCh37 (hg19) VCF-style: chr2-96958804-T-C.
Other names: short protein forms Y689C.
Identifiers: ClinVar variation 866921 (VCV000866921.51), dbSNP rs556400279, ClinGen allele CA347679447.

ClinVar aggregate classification (germline): Pathogenic/Likely pathogenic. Review status: criteria provided, multiple submitters, no conflicts (2 of 4 stars). 4 submissions from 4 submitters: Pathogenic (2); Likely pathogenic (2). Last evaluated 2022-09-05.

Conditions:
SNRNP200-related disorder. Also called: SNRNP200-related condition.

Submissions (4):

Blueprint Genetics
Classification: Likely pathogenic for SNRNP200-related disorders. Last evaluated: 2022-09-05. Review status: criteria provided, single submitter. Criteria: ACMG Guidelines, 2015. Collection method: clinical testing. Allele origin: germline. Affected: yes. Observed: 2 variant alleles.

Institute for Clinical Genetics, University Hospital TU Dresden, University Hospital TU Dresden
Classification: Likely pathogenic. Last evaluated: 2022-05-24. Review status: criteria provided, single submitter. Criteria: ACMG Guidelines, 2015. Collection method: clinical testing. Allele origin: maternal.
Comment: PS4, PP3, PM2_SUP, PP1

Labcorp Genetics (formerly Invitae), Labcorp
Classification: Pathogenic. Last evaluated: 2021-07-17. Review status: criteria provided, single submitter. Criteria: Invitae Variant Classification Sherloc (09022015). Collection method: clinical testing. Allele origin: germline.
Comment: For these reasons, this variant has been classified as Pathogenic. Algorithms developed to predict the effect of missense changes on protein structure and function are either unavailable or do not agree on the potential impact of this missense change (SIFT: "Deleterious"; PolyPhen-2: "Probably Damaging"; Align-GVGD: "Class C0"). ClinVar contains an entry for this variant (Variation ID: 866921). This variant has been observed in individuals with autosomal dominant retinitis pigmentosa (PMID: 21618346, 33576794; Invitae). It has also been observed to segregate with disease in related individuals. This variant is not present in population databases (ExAC no frequency). This sequence change replaces tyrosine with cysteine at codon 689 of the SNRNP200 protein (p.Tyr689Cys). The tyrosine residue is highly conserved and there is a large physicochemical difference between tyrosine and cysteine.

CeGaT Center for Human Genetics Tuebingen
Classification: Pathogenic. Last evaluated: 2019-02-01. Review status: criteria provided, single submitter. Criteria: CeGaT Center For Human Genetics Tuebingen Variant Classification Criteria Version 2. Collection method: clinical testing. Allele origin: germline. Affected: yes. Observed: 1 variant allele.

Literature cited by the submitters: PubMed 21618346 (cited by Labcorp Genetics (formerly Invitae), Labcorp); PubMed 33576794 (cited by Labcorp Genetics (formerly Invitae), Labcorp).